The following is an entry in ClinVar:

NM_002485.5(NBN):c.511A>C (p.Ile171Leu)

Gene: NBN (nibrin; minus strand). Cytogenetic location: 8q21.3.
Variant type: single nucleotide variant.
Coding change: c.511A>C on transcript NM_002485.5 (MANE Select); coding-DNA position 511, A replaced by C.
Protein change: p.Ile171Leu; replaces isoleucine 171 with leucine.
Molecular consequence: missense variant.
Genome position (GRCh38, 1-based): chr8:89,978,293, T>G on the plus strand (A>C on the coding strand, the complement: NBN is on the minus strand). VCF-style: chr8-89978293-T-G. GRCh37 (hg19) VCF-style: chr8-90990521-T-G.
Other names: c.265A>C, p.Ile89Leu (NM_001024688.3); short protein forms I171L, I89L.
Identifiers: ClinVar variation 480020 (VCV000480020.15), dbSNP rs61754966, ClinGen allele CA181279296.

ClinVar aggregate classification (germline): Uncertain significance. Review status: criteria provided, multiple submitters, no conflicts (2 of 4 stars). 3 submissions from 3 submitters: Uncertain significance (3). Last evaluated 2023-11-20.

Conditions:
Hereditary cancer-predisposing syndrome. Also called: Hereditary neoplastic syndrome; Neoplastic Syndromes, Hereditary; Tumor predisposition; Hereditary Cancer Syndrome. Identifiers: Orphanet 140162, MedGen C0027672, MeSH D009386, MONDO:0015356.
Microcephaly, normal intelligence and immunodeficiency (NBS). Also called: IMMUNODEFICIENCY, MICROCEPHALY, AND CHROMOSOMAL INSTABILITY; SEEMANOVA SYNDROME II; Nijmegen breakage syndrome; Microcephaly with normal intelligence immunodeficiency and lymphoreticular malignancies; Nonsyndromal microcephaly autosomal recessive with normal intelligence; Seemanova syndrome 2. Identifiers: Orphanet 647, MedGen C0398791, MONDO:0009623, OMIM 251260.

Allele frequency attached by ClinVar (database versions not stated): TOPMed 0.00001.
gnomAD v4.1: 1 of 1,593,784 alleles (0.000063%); highest among the groups gnomAD compares: African/African-American, 0.0013%; no homozygotes.

Submissions (3):

Labcorp Genetics (formerly Invitae), Labcorp
Classification: Uncertain significance for Microcephaly, normal intelligence and immunodeficiency. Last evaluated: 2023-11-20. Review status: criteria provided, single submitter. Criteria: Invitae Variant Classification Sherloc (09022015). Collection method: clinical testing. Allele origin: germline.
Comment: This sequence change replaces isoleucine, which is neutral and non-polar, with leucine, which is neutral and non-polar, at codon 171 of the NBN protein (p.Ile171Leu). This variant is not present in population databases (gnomAD no frequency). This variant has not been reported in the literature in individuals affected with NBN-related conditions. ClinVar contains an entry for this variant (Variation ID: 480020). An algorithm developed to predict the effect of missense changes on protein structure and function (PolyPhen-2) suggests that this variant is likely to be disruptive. In summary, the available evidence is currently insufficient to determine the role of this variant in disease. Therefore, it has been classified as a Variant of Uncertain Significance.

Genome-Nilou Lab
Classification: Uncertain significance for Microcephaly, normal intelligence and immunodeficiency. Last evaluated: 2021-11-07. Review status: criteria provided, single submitter. Criteria: ACMG Guidelines, 2015. Collection method: clinical testing. Allele origin: germline. Affected: no.

Ambry Genetics
Classification: Uncertain significance for Hereditary cancer-predisposing syndrome. Last evaluated: 2019-08-01. Review status: criteria provided, single submitter. Criteria: Ambry Variant Classification Scheme 2023. Collection method: clinical testing. Allele origin: germline.
Comment: The p.I171L variant (also known as c.511A>C), located in coding exon 5 of the NBN gene, results from an A to C substitution at nucleotide position 511. The isoleucine at codon 171 is replaced by leucine, an amino acid with highly similar properties. This amino acid position is highly conserved in available vertebrate species. In addition, the in silico prediction for this alteration is inconclusive. Since supporting evidence is limited at this time, the clinical significance of this alteration remains unclear.